The following is an entry in ClinVar:

ClinVar aggregate classification (germline): Uncertain significance (1 of 4 stars; one submission).

Conditions:
Epileptic encephalopathy. Identifiers: MedGen C0543888, HP:0200134.

gnomAD v4.1: 11 of 1,612,604 alleles (0.00068%); highest among the groups gnomAD compares: Non-Finnish European, 0.00059%; no homozygotes.

Submission:

Labcorp Genetics (formerly Invitae), Labcorp
Classification: Uncertain significance for Epileptic encephalopathy. Last evaluated: 2025-11-12. Review status: criteria provided, single submitter. Criteria: Invitae Variant Classification Sherloc (09022015). Collection method: clinical testing. Allele origin: germline.
Comment: This sequence change replaces glutamic acid, which is acidic and polar, with glycine, which is neutral and non-polar, at codon 2129 of the FASN protein (p.Glu2129Gly). This variant is present in population databases (rs202239083, gnomAD 0.005%). This variant has not been reported in the literature in individuals affected with FASN-related conditions. An algorithm developed to predict the effect of missense changes on protein structure and function (PolyPhen-2) suggests that this variant is likely to be tolerated. In summary, the available evidence is currently insufficient to determine the role of this variant in disease. Therefore, it has been classified as a Variant of Uncertain Significance.

NM_004104.5(FASN):c.6386A>G (p.Glu2129Gly)

Gene: FASN (fatty acid synthase; minus strand). Cytogenetic location: 17q25.3.
Variant type: single nucleotide variant.
Coding change: c.6386A>G on transcript NM_004104.5 (MANE Select); coding-DNA position 6386, A replaced by G.
Protein change: p.Glu2129Gly; replaces glutamic acid 2129 with glycine.
Molecular consequence: missense variant.
Genome position (GRCh38, 1-based): chr17:82,081,621, T>C on the plus strand (A>G on the coding strand, the complement: FASN is on the minus strand). VCF-style: chr17-82081621-T-C. GRCh37 (hg19) VCF-style: chr17-80039497-T-C.
Other names: short protein forms E2129G.
Identifiers: ClinVar variation 4778197 (VCV004778197.1).